The following is an entry in ClinVar:

ClinVar aggregate classification (germline): Likely benign. Review status: criteria provided, multiple submitters, no conflicts (2 of 4 stars). 3 submissions from 3 submitters: Likely benign (3). Last evaluated 2020-03-03.

Conditions:
Hereditary spastic paraplegia 31. Also called: SPASTIC PARAPLEGIA 31, AUTOSOMAL DOMINANT. Identifiers: Orphanet 101011, MedGen C1853247, MONDO:0012453, OMIM 610250.

Allele frequency attached by ClinVar (database versions not stated): 1000 Genomes Project 0.00719; 1000 Genomes Project 30x 0.00843; TOPMed 0.01995; gnomAD 0.02145 and 0.02275; gnomAD exomes 0.02804.
gnomAD v4.1: 3,337 of 152,680 alleles (2.2%); highest among the groups gnomAD compares: Non-Finnish European, 3.4%; 69 homozygotes.

Submissions (3):

GeneDx
Classification: Likely benign. Last evaluated: 2020-03-03. Review status: criteria provided, single submitter. Criteria: GeneDx Variant Classification Process June 2021. Collection method: clinical testing. Allele origin: germline. Affected: yes.

Illumina Laboratory Services, Illumina
Classification: Likely benign for Hereditary spastic paraplegia 31. Last evaluated: 2017-04-27. Review status: criteria provided, single submitter. Criteria: ICSL Variant Classification Criteria 13 December 2019. Collection method: clinical testing. Allele origin: germline.
Comment: This variant was observed as part of a predisposition screen in an ostensibly healthy population. A literature search was performed for the gene, cDNA change, and amino acid change (where applicable). No publications were found based on this search. Allele frequency data from public databases allowed determination this variant is unlikely to cause disease. Therefore, this variant is classified as likely benign.

Breakthrough Genomics
Classification: Likely benign. Review status: criteria provided, single submitter. Criteria: ACMG Guidelines, 2015. Collection method: not provided. Allele origin: germline. Inheritance: Autosomal recessive inheritance. Affected: yes.

NM_001371279.1(REEP1):c.*1415G>T

Gene: REEP1 (receptor accessory protein 1; minus strand). Cytogenetic location: 2p11.2.
Variant type: single nucleotide variant.
Coding change: c.*1415G>T on transcript NM_001371279.1 (MANE Select); 1415 bases downstream of the stop codon, G replaced by T.
Molecular consequence: 3 prime UTR variant.
Genome position (GRCh38, 1-based): chr2:86,215,624, C>A on the plus strand (G>T on the coding strand, the complement: REEP1 is on the minus strand). VCF-style: chr2-86215624-C-A. GRCh37 (hg19) VCF-style: chr2-86442747-C-A.
Other names: c.*1476G>T (NM_001164730.2, NM_001164731.2, NM_022912.3); c.*1415G>T (NM_001164732.2, NM_001371280.1).
Identifiers: ClinVar variation 337371 (VCV000337371.8), dbSNP rs116705276, ClinGen allele CA10616407.